The following is an entry in ClinVar:

ClinVar aggregate classification (germline): Uncertain significance. Review status: criteria provided, multiple submitters, no conflicts (2 of 4 stars). 3 submissions from 3 submitters: Uncertain significance (3). Last evaluated 2025-10-15.

Conditions:
Bethlem myopathy 1A. Also called: Bethlem myopathy 1; MYOPATHY, BENIGN CONGENITAL, WITH CONTRACTURES; Bethlem Muscular Dystrophy. Identifiers: Orphanet 610, MedGen CN029274, MONDO:0024530, OMIM 158810.

Submissions (3):

Labcorp Genetics (formerly Invitae), Labcorp
Classification: Uncertain significance for Bethlem myopathy 1A. Last evaluated: 2025-10-15. Review status: criteria provided, single submitter. Criteria: Invitae Variant Classification Sherloc (09022015). Collection method: clinical testing. Allele origin: germline.
Comment: This sequence change replaces alanine, which is neutral and non-polar, with valine, which is neutral and non-polar, at codon 3027 of the COL6A3 protein (p.Ala3027Val). This variant is not present in population databases (gnomAD no frequency). This variant has not been reported in the literature in individuals affected with COL6A3-related conditions. ClinVar contains an entry for this variant (Variation ID: 594655). Invitae Evidence Modeling of protein sequence and biophysical properties (such as structural, functional, and spatial information, amino acid conservation, physicochemical variation, residue mobility, and thermodynamic stability) indicates that this missense variant is not expected to disrupt COL6A3 protein function with a negative predictive value of 95%. In summary, the available evidence is currently insufficient to determine the role of this variant in disease. Therefore, it has been classified as a Variant of Uncertain Significance.

Revvity Omics, Revvity
Classification: Uncertain significance. Last evaluated: 2019-03-05. Review status: criteria provided, single submitter. Criteria: ACMG Guidelines, 2015. Collection method: clinical testing. Allele origin: germline.

Eurofins Ntd Llc (ga)
Classification: Uncertain significance. Last evaluated: 2017-11-02. Review status: criteria provided, single submitter. Criteria: EGL Classification Definitions 2015. Collection method: clinical testing. Allele origin: germline. Observed: 1 variant allele, 1 heterozygote.

NM_004369.4(COL6A3):c.9080C>T (p.Ala3027Val)

Gene: COL6A3 (collagen type VI alpha 3 chain; minus strand). Cytogenetic location: 2q37.3.
Variant type: single nucleotide variant.
Coding change: c.9080C>T on transcript NM_004369.4 (MANE Select); coding-DNA position 9080, C replaced by T.
Protein change: p.Ala3027Val; replaces alanine 3027 with valine.
Molecular consequence: missense variant.
Genome position (GRCh38, 1-based): chr2:237,334,775, G>A on the plus strand (C>T on the coding strand, the complement: COL6A3 is on the minus strand). VCF-style: chr2-237334775-G-A. GRCh37 (hg19) VCF-style: chr2-238243418-G-A.
Other names: c.7259C>T, p.Ala2420Val (NM_057166.5); c.8462C>T, p.Ala2821Val (NM_057167.4); c.9080C>T (NM_004369.3); short protein forms A3027V, A2420V, A2821V.
Identifiers: ClinVar variation 594655 (VCV000594655.11), dbSNP rs1299012840, ClinGen allele CA351188688.
Genomic context (GRCh38, chr2:237,334,775, plus strand): 5'-CCTCCAATGACGCGGTCCGTGACCGTGAGGTTCTGCTTCAGAACCAGGGACTGATCATGG[G>A]CTGAGGTGACGGTGAGGTCATAAAAATAAGGACCGGGGGGCTCAGCCCTCTCCCAGTGGA-3'
Protein context (NP_004360.2, residues 3017-3037): PYFYDLTVTS[Ala3027Val]HDQSLVLKQN